The following is an entry in ClinVar:

NM_000548.5(TSC2):c.4020C>T (p.Ser1340=)

Gene: TSC2 (TSC complex subunit 2; plus strand). Cytogenetic location: 16p13.3.
Variant type: single nucleotide variant.
Coding change: c.4020C>T on transcript NM_000548.5 (MANE Select); coding-DNA position 4020, C replaced by T.
Protein change: p.Ser1340=; no amino-acid change (serine 1340 retained).
Molecular consequence: synonymous variant.
Genome position (GRCh38, 1-based): chr16:2,084,242, C>T. VCF-style: chr16-2084242-C-T. GRCh37 (hg19) VCF-style: chr16-2134243-C-T.
Other names: c.3819C>T, p.Ser1273= (NM_001077183.3); c.3951C>T, p.Ser1317= (NM_001114382.3); c.3711C>T, p.Ser1237= (NM_001318827.2); c.3675C>T, p.Ser1225= (NM_001318829.2); c.3288C>T, p.Ser1096= (NM_001318831.2); c.3852C>T, p.Ser1284= (NM_001318832.2); c.3822C>T, p.Ser1274= (NM_001363528.2); c.3888C>T, p.Ser1296= (NM_001370404.1); and 1 more.
Identifiers: ClinVar variation 763107 (VCV000763107.31), dbSNP rs1596415292, ClinGen allele CA493043017.
Genomic context (GRCh38, chr16:2,084,242, plus strand): 5'-GAGGGTGCCTGCTGACAGGGGTTCTCTTTGGGATGGTCCTTTCTAGTCGTCCTCAGTCTC[C>T]AGCCAGGAGGAGAAGTCGCTCCACGCGGAGGAGCTGGTTGGCAGGGGCATCCCCATCGAG-3'
Protein context (NP_000539.2, residues 1330-1350): TDAYSRSSSV[Ser1340=]SQEEKSLHAE

ClinVar aggregate classification (germline): Benign/Likely benign. Review status: criteria provided, multiple submitters, no conflicts (2 of 4 stars). 4 submissions from 4 submitters: Benign (1); Likely benign (3). Last evaluated 2025-06-02.

Conditions:
Hereditary cancer-predisposing syndrome. Also called: Hereditary Cancer Syndrome; Tumor predisposition; Hereditary neoplastic syndrome; Neoplastic Syndromes, Hereditary. Identifiers: Orphanet 140162, MedGen C0027672, MeSH D009386, MONDO:0015356.
Tuberous sclerosis 2 (TSC2). Identifiers: Orphanet 805, MedGen C1860707, MONDO:0013199, OMIM 613254.

Allele frequency attached by ClinVar (database versions not stated): gnomAD exomes below 0.00001.
gnomAD v4.1: 2 of 1,597,024 alleles (0.00013%); highest among the groups gnomAD compares: Non-Finnish European, 0.00017%; no homozygotes.

Submissions (4):

Myriad Genetics, Inc.
Classification: Benign for Tuberous sclerosis 2. Last evaluated: 2025-06-02. Review status: criteria provided, single submitter. Criteria: Myriad Autosomal Dominant, Autosomal Recessive and X-Linked Classification Criteria (2023). Collection method: clinical testing. Allele origin: unknown.
Comment: This variant is considered benign. This variant is a silent/synonymous amino acid change and it is not expected to impact splicing.

CeGaT Center for Human Genetics Tuebingen
Classification: Likely benign. Last evaluated: 2024-04-01. Review status: criteria provided, single submitter. Criteria: CeGaT Center For Human Genetics Tuebingen Variant Classification Criteria Version 2. Collection method: clinical testing. Allele origin: germline. Affected: yes. Observed: 1 variant allele.
Comment: TSC2: PM2:Supporting, BP4, BP7

Labcorp Genetics (formerly Invitae), Labcorp
Classification: Likely benign for Tuberous sclerosis 2. Last evaluated: 2023-12-27. Review status: criteria provided, single submitter. Criteria: Invitae Variant Classification Sherloc (09022015). Collection method: clinical testing. Allele origin: germline.

Ambry Genetics
Classification: Likely benign for Hereditary cancer-predisposing syndrome. Last evaluated: 2023-04-30. Review status: criteria provided, single submitter. Criteria: Ambry Variant Classification Scheme 2023. Collection method: clinical testing. Allele origin: germline.